The following is an entry in ClinVar:

NM_001042492.3(NF1):c.1477C>T (p.Leu493Phe)

Gene: NF1 (neurofibromin 1; plus strand). Cytogenetic location: 17q11.2.
Variant type: single nucleotide variant.
Coding change: c.1477C>T on transcript NM_001042492.3 (MANE Select); coding-DNA position 1477, C replaced by T.
Protein change: p.Leu493Phe; replaces leucine 493 with phenylalanine.
Molecular consequence: missense variant.
Genome position (GRCh38, 1-based): chr17:31,214,535, C>T. VCF-style: chr17-31214535-C-T. GRCh37 (hg19) VCF-style: chr17-29541553-C-T.
Other names: c.1477C>T, p.Leu493Phe (NM_000267.4, NM_001128147.3); short protein forms L493F.
Identifiers: ClinVar variation 1317186 (VCV001317186.2), dbSNP rs1135402812, ClinGen allele CA399001599.
Genomic context (GRCh38, chr17:31,214,535, plus strand): 5'-ACAAGCCTTAAATTTAAAGAAAAACCTACAGACCTGGAGACAAGAAGCTATAAGTATCTT[C>T]TCTTGTCCATGGTGAAACTAATTCATGCAGATCCAAAGCTCTTGCTTTGTGTAAGTATTT-3'
Protein context (NP_001035957.1, residues 483-503): DLETRSYKYL[Leu493Phe]LSMVKLIHAD

ClinVar aggregate classification (germline): Uncertain significance (1 of 4 stars; one submission).

Submission:

GeneDx
Classification: Uncertain significance. Last evaluated: 2019-06-14. Review status: criteria provided, single submitter. Criteria: GeneDx Variant Classification Process June 2021. Collection method: clinical testing. Allele origin: germline. Affected: yes.
Comment: Not observed in large population cohorts (Lek et al., 2016); Has not been previously published as pathogenic or benign to our knowledge